The following is an entry in ClinVar:

ClinVar aggregate classification (germline): Uncertain significance (1 of 4 stars; one submission).

Conditions:
Peroxisome biogenesis disorder 11A (Zellweger). Also called: Peroxisome biogenesis disorder 11A. Identifiers: Orphanet 912, MedGen C3554000, MONDO:0013949, OMIM 614883.

Allele frequency attached by ClinVar (database versions not stated): gnomAD 0.00001; gnomAD exomes 0.00001; TOPMed 0.00001.
gnomAD v4.1: 16 of 1,614,038 alleles (0.00099%); highest among the groups gnomAD compares: Non-Finnish European, 0.0014%; no homozygotes.

Submission:

Labcorp Genetics (formerly Invitae), Labcorp
Classification: Uncertain significance for Peroxisome biogenesis disorder 11A (Zellweger). Last evaluated: 2024-02-24. Review status: criteria provided, single submitter. Criteria: Invitae Variant Classification Sherloc (09022015). Collection method: clinical testing. Allele origin: germline.
Comment: This sequence change replaces glycine, which is neutral and non-polar, with arginine, which is basic and polar, at codon 81 of the PEX13 protein (p.Gly81Arg). This variant is present in population databases (no rsID available, gnomAD 0.002%). This variant has not been reported in the literature in individuals affected with PEX13-related conditions. ClinVar contains an entry for this variant (Variation ID: 1484262). Advanced modeling of protein sequence and biophysical properties (such as structural, functional, and spatial information, amino acid conservation, physicochemical variation, residue mobility, and thermodynamic stability) performed at Invitae indicates that this missense variant is not expected to disrupt PEX13 protein function with a negative predictive value of 80%. In summary, the available evidence is currently insufficient to determine the role of this variant in disease. Therefore, it has been classified as a Variant of Uncertain Significance.

NM_002618.4(PEX13):c.241G>A (p.Gly81Arg)

Gene: PEX13 (peroxisomal biogenesis factor 13; plus strand). Cytogenetic location: 2p15.
Variant type: single nucleotide variant.
Coding change: c.241G>A on transcript NM_002618.4 (MANE Select); coding-DNA position 241, G replaced by A.
Protein change: p.Gly81Arg; replaces glycine 81 with arginine.
Molecular consequence: missense variant.
Genome position (GRCh38, 1-based): chr2:61,031,567, G>A. VCF-style: chr2-61031567-G-A. GRCh37 (hg19) VCF-style: chr2-61258702-G-A.
Other names: short protein forms G81R.
Identifiers: ClinVar variation 1484262 (VCV001484262.6), dbSNP rs892846278, ClinGen allele CA48342008.
Genomic context (GRCh38, chr2:61,031,567, plus strand): 5'-CAGCAGACAGGAAGTAGCAGTGTGAACACTTTTAGACCTGCTTACAGTTCATTTTCTTCT[G>A]GATATGGTGCCTATGGAAATTCATTTTATGGAGGCTATAGTCCTTATAGTTATGGATATA-3'
Protein context (NP_002609.1, residues 71-91): FRPAYSSFSS[Gly81Arg]YGAYGNSFYG